The following is an entry in ClinVar:

NM_021922.3(FANCE):c.983G>C (p.Cys328Ser)

Gene: FANCE (FA complementation group E; plus strand). Cytogenetic location: 6p21.31.
Variant type: single nucleotide variant.
Coding change: c.983G>C on transcript NM_021922.3 (MANE Select); coding-DNA position 983, G replaced by C.
Protein change: p.Cys328Ser; replaces cysteine 328 with serine.
Molecular consequence: missense variant.
Genome position (GRCh38, 1-based): chr6:35,458,310, G>C. VCF-style: chr6-35458310-G-C. GRCh37 (hg19) VCF-style: chr6-35426087-G-C.
Other names: short protein forms C328S.
Identifiers: ClinVar variation 1415948 (VCV001415948.8), dbSNP rs372935921, ClinGen allele CA3771575.

ClinVar aggregate classification (germline): Uncertain significance. Review status: criteria provided, multiple submitters, no conflicts (2 of 4 stars). 2 submissions from 2 submitters: Uncertain significance (2). Last evaluated 2024-10-06.

Conditions:
Fanconi anemia complementation group E (FANCE). Also called: FANCE-Related Fanconi Anemia. Identifiers: Orphanet 84, MedGen C3160739, MONDO:0010953, OMIM 600901.

Allele frequency attached by ClinVar (database versions not stated): gnomAD 0.00003 and 0.00004; TOPMed 0.00003; ExAC 0.00004; gnomAD exomes 0.00004; ESP Exome Variant Server 0.00008.

Submissions (2):

Labcorp Genetics (formerly Invitae), Labcorp
Classification: Uncertain significance for Fanconi anemia complementation group E. Last evaluated: 2024-10-06. Review status: criteria provided, single submitter. Criteria: Invitae Variant Classification Sherloc (09022015). Collection method: clinical testing. Allele origin: germline.
Comment: This sequence change replaces cysteine, which is neutral and slightly polar, with serine, which is neutral and polar, at codon 328 of the FANCE protein (p.Cys328Ser). This variant is present in population databases (rs372935921, gnomAD 0.01%). This variant has not been reported in the literature in individuals affected with FANCE-related conditions. ClinVar contains an entry for this variant (Variation ID: 1415948). Invitae Evidence Modeling of protein sequence and biophysical properties (such as structural, functional, and spatial information, amino acid conservation, physicochemical variation, residue mobility, and thermodynamic stability) indicates that this missense variant is expected to disrupt FANCE protein function with a positive predictive value of 80%. In summary, the available evidence is currently insufficient to determine the role of this variant in disease. Therefore, it has been classified as a Variant of Uncertain Significance.

Fulgent Genetics
Classification: Uncertain significance for Fanconi anemia complementation group E. Last evaluated: 2023-12-22. Review status: criteria provided, single submitter. Criteria: ACMG Guidelines, 2015. Collection method: clinical testing. Allele origin: germline.